The following is an entry in ClinVar:

ClinVar aggregate classification (germline): Conflicting classifications of pathogenicity. Review status: criteria provided, conflicting classifications (1 of 4 stars). 2 submissions from 2 submitters: Likely pathogenic (1); Uncertain significance (1). Last evaluated 2025-11-22.

Conditions:
Long QT syndrome (LQTS). Identifiers: MedGen C0023976, MeSH D008133, MONDO:0002442. Disease mechanism: loss of function. Inheritance: Various modes of inheritance.
KCNQ1-related disorder. Also called: KCNQ1-related condition; KCNQ1-related disorders. Identifiers: MedGen CN239322.

Submissions (2):

Labcorp Genetics (formerly Invitae), Labcorp
Classification: Uncertain significance for Long QT syndrome. Last evaluated: 2025-11-22. Review status: criteria provided, single submitter. Criteria: Invitae Variant Classification Sherloc (09022015). Collection method: clinical testing. Allele origin: germline.
Comment: This sequence change replaces serine, which is neutral and polar, with proline, which is neutral and non-polar, at codon 177 of the KCNQ1 protein (p.Ser177Pro). This variant is not present in population databases (gnomAD no frequency). This variant has not been reported in the literature in individuals affected with KCNQ1-related conditions. Invitae Evidence Modeling of protein sequence and biophysical properties (such as structural, functional, and spatial information, amino acid conservation, physicochemical variation, residue mobility, and thermodynamic stability) indicates that this missense variant is expected to disrupt KCNQ1 protein function with a positive predictive value of 95%. In summary, the available evidence is currently insufficient to determine the role of this variant in disease. Therefore, it has been classified as a Variant of Uncertain Significance.

Blueprint Genetics
Classification: Likely pathogenic for KCNQ1-related disorders. Last evaluated: 2024-01-09. Review status: criteria provided, single submitter. Criteria: ACMG Guidelines, 2015. Collection method: clinical testing. Allele origin: germline. Affected: yes. Observed: 4 variant alleles.

NM_000218.3(KCNQ1):c.529T>C (p.Ser177Pro)

Gene: KCNQ1 (potassium voltage-gated channel subfamily Q member 1; plus strand). Cytogenetic location: 11p15.5.
Variant type: single nucleotide variant.
Coding change: c.529T>C on transcript NM_000218.3 (MANE Select); coding-DNA position 529, T replaced by C.
Protein change: p.Ser177Pro; replaces serine 177 with proline.
Molecular consequence: missense variant. On other transcripts: intron variant (1).
Genome position (GRCh38, 1-based): chr11:2,570,679, T>C. VCF-style: chr11-2570679-T-C. GRCh37 (hg19) VCF-style: chr11-2591909-T-C.
Other names: c.529T>C, p.Ser177Pro (NM_001406836.1); c.259T>C, p.Ser87Pro (NM_001406837.1); c.148T>C, p.Ser50Pro (NM_181798.2); c.478-12756T>C (NM_001406838.1); short protein forms S177P, S50P, S87P.
Identifiers: ClinVar variation 4709533 (VCV004709533.2).
Genomic context (GRCh38, chr11:2,570,679, plus strand): 5'-TCCCTGCAGGAGATCGTGCTGGTGGTGTTCTTCGGGACGGAGTACGTGGTCCGCCTCTGG[T>C]CCGCCGGCTGCCGCAGCAAGTACGTGGGCCTCTGGGGGCGGCTGCGCTTTGCCCGGAAGC-3'
Protein context (NP_000209.2, residues 167-187): FGTEYVVRLW[Ser177Pro]AGCRSKYVGL